The following is an entry in ClinVar:

ClinVar aggregate classification (germline): Uncertain significance (1 of 4 stars; one submission).

Allele frequency attached by ClinVar (database versions not stated): gnomAD 0.00001; gnomAD exomes 0.00001; TOPMed 0.00002.

Submission:

Labcorp Genetics (formerly Invitae), Labcorp
Classification: Uncertain significance. Last evaluated: 2023-02-23. Review status: criteria provided, single submitter. Criteria: Invitae Variant Classification Sherloc (09022015). Collection method: clinical testing. Allele origin: germline.
Comment: In summary, the available evidence is currently insufficient to determine the role of this variant in disease. Therefore, it has been classified as a Variant of Uncertain Significance. This variant has not been reported in the literature in individuals affected with RASA2-related conditions. This sequence change creates a premature translational stop signal (p.Arg404*) in the RASA2 gene. It is expected to result in an absent or disrupted protein product. However, the current clinical and genetic evidence is not sufficient to establish whether loss-of-function variants in RASA2 cause disease. This variant is present in population databases (no rsID available, gnomAD 0.002%).

NM_006506.5(RASA2):c.1210C>T (p.Arg404Ter)

Gene: RASA2 (RAS p21 protein activator 2; plus strand). Cytogenetic location: 3q23.
Variant type: single nucleotide variant.
Coding change: c.1210C>T on transcript NM_006506.5 (MANE Select); coding-DNA position 1210, C replaced by T.
Protein change: p.Arg404Ter; replaces arginine 404 with a stop codon.
Molecular consequence: nonsense.
Genome position (GRCh38, 1-based): chr3:141,572,649, C>T. VCF-style: chr3-141572649-C-T. GRCh37 (hg19) VCF-style: chr3-141291491-C-T.
Other names: c.1210C>T, p.Arg404Ter (NM_001303245.3, NM_001303246.3); short protein forms R404*.
Identifiers: ClinVar variation 2717798 (VCV002717798.3), dbSNP rs898552254, ClinGen allele CA16044067.
Genomic context (GRCh38, chr3:141,572,649, plus strand): 5'-TTCATCTATTTCTATTTCAGAGATGCAAACACAATTTTTAGAGGAAATTCCCTGGCTACC[C>T]GATGTCTGGATGAGATGATGAAAATAGTGGGAGGGCACTACCTGAAAGTAACATTAAAAC-3'